The following is an entry in ClinVar:

NM_003383.5(VLDLR):c.2067A>G (p.Gln689=)

Gene: VLDLR (very low density lipoprotein receptor; plus strand). Cytogenetic location: 9p24.2.
Variant type: single nucleotide variant.
Coding change: c.2067A>G on transcript NM_003383.5 (MANE Select); coding-DNA position 2067, A replaced by G.
Protein change: p.Gln689=; no amino-acid change (glutamine 689 retained).
Molecular consequence: synonymous variant.
Genome position (GRCh38, 1-based): chr9:2,648,773, A>G. VCF-style: chr9-2648773-A-G. GRCh37 (hg19) VCF-style: chr9-2648773-A-G.
Other names: p.Gln689=; c.2067A>G, p.Gln689= (NM_001018056.3); c.1944A>G, p.Gln648= (NM_001322225.2, NM_001322226.2).
Identifiers: ClinVar variation 130707 (VCV000130707.23), dbSNP rs6148, ClinGen allele CA155920.

ClinVar aggregate classification (germline): Benign/Likely benign. Review status: criteria provided, multiple submitters, no conflicts (2 of 4 stars). 8 submissions from 8 submitters: Benign (6); Likely benign (1). 1 of the submissions does not count toward it. Last evaluated 2026-02-04.

Conditions:
Cerebellar ataxia, impaired intellectual development, and dysequilibrium syndrome 1. Also called: CEREBELLAR ATAXIA AND MENTAL RETARDATION WITH OR WITHOUT QUADRUPEDAL LOCOMOTION 1; CEREBELLAR ATAXIA, CONGENITAL, AND MENTAL RETARDATION, AUTOSOMAL RECESSIVE; VLDLR Cerebellar Hypoplasia; Cerebellar hypoplasia and mental retardation with or without quadrupedal locomotion 1; Cerebellar ataxia, intellectual disability, and dysequilibrium syndrome 1; Cerebellar ataxia, mental retardation, and dysequilibrium syndrome 1. Identifiers: Orphanet 1766, MedGen C4551552, MONDO:0024542, OMIM 224050.

Allele frequency attached by ClinVar (database versions not stated): 1000 Genomes Project 0.07388; 1000 Genomes Project 30x 0.07433; TOPMed 0.12475; gnomAD 0.13709 and 0.13882; ESP Exome Variant Server 0.14009; gnomAD exomes 0.14374 and 0.17681; ExAC 0.14500.
gnomAD v4.1: 278,397 of 1,613,922 alleles (17%); highest among the groups gnomAD compares: Non-Finnish European, 19%; 26,687 homozygotes.

Submissions (8):

Labcorp Genetics (formerly Invitae), Labcorp
Classification: Benign. Last evaluated: 2026-02-04. Review status: criteria provided, single submitter. Criteria: Invitae Variant Classification Sherloc (09022015). Collection method: clinical testing. Allele origin: germline.

Blueprint Genetics
Classification: Benign. Last evaluated: 2024-11-27. Review status: criteria provided, single submitter. Criteria: ACMG Guidelines, 2015. Collection method: clinical testing. Allele origin: germline.

Mayo Clinic Laboratories, Mayo Clinic
Classification: Benign. Last evaluated: 2022-03-24. Review status: criteria provided, single submitter. Criteria: ACMG Guidelines, 2015. Collection method: clinical testing. Allele origin: germline. Observed: 296 variant alleles.

Genome-Nilou Lab
Classification: Benign for Cerebellar ataxia, impaired intellectual development, and dysequilibrium syndrome 1. Last evaluated: 2021-12-05. Review status: criteria provided, single submitter. Criteria: ACMG Guidelines, 2015. Collection method: clinical testing. Allele origin: germline. Affected: no.

Illumina Laboratory Services, Illumina
Classification: Benign for Cerebellar ataxia, impaired intellectual development, and dysequilibrium syndrome 1. Last evaluated: 2018-01-13. Review status: criteria provided, single submitter. Criteria: ICSL Variant Classification Criteria 13 December 2019. Collection method: clinical testing. Allele origin: germline.
Comment: This variant was observed in the ICSL laboratory as part of a predisposition screen in an ostensibly healthy population. It had not been previously curated by ICSL or reported in the Human Gene Mutation Database (HGMD: prior to June 1st, 2018), and was therefore a candidate for classification through an automated scoring system. Utilizing variant allele frequency, disease prevalence and penetrance estimates, and inheritance mode, an automated score was calculated to assess if this variant is too frequent to cause the disease. Based on the score and internal cut-off values, a variant classified as benign is not then subjected to further curation. The score for this variant resulted in a classification of benign for this disease.

GeneDx
Classification: Benign. Last evaluated: 2015-03-03. Review status: criteria provided, single submitter. Criteria: GeneDx Variant Classification Process June 2021. Collection method: clinical testing. Allele origin: germline. Affected: yes.

Breakthrough Genomics
Classification: Likely benign. Review status: criteria provided, single submitter. Criteria: ACMG Guidelines, 2015. Collection method: not provided. Allele origin: germline. Inheritance: Autosomal recessive inheritance. Affected: yes.

Genetic Services Laboratory, University of Chicago
Classification: Likely benign for AllHighlyPenetrant. Review status: no assertion criteria provided. Collection method: clinical testing. Allele origin: germline. Inheritance: Autosomal recessive inheritance. Not counted in ClinVar's aggregate classification.
Comment: Likely benign based on allele frequency in 1000 Genomes Project or ESP global frequency and its presence in a patient with a rare or unrelated disease phenotype. NOT Sanger confirmed.